The following is an entry in ClinVar:

NM_032444.4(SLX4):c.3441AGA[1] (p.Glu1148del)

Gene: SLX4 (SLX4 structure-specific endonuclease subunit; minus strand). Cytogenetic location: 16p13.3.
Variant type: Microsatellite.
Coding change: c.3441AGA[1] on transcript NM_032444.4 (MANE Select); one copy of the 3-base unit AGA starting at c.3441; the reference has two copies in a row; one copy, 3 bases deleted.
Protein change: p.Glu1148del; deletes glutamic acid 1148.
Molecular consequence: inframe deletion.
Genome position (GRCh38, 1-based): chr16:3,590,192-3,590,194, TCT deleted on the plus strand (AGA on the coding strand, the reverse complement: SLX4 is on the minus strand); deleting any 3 consecutive bases within chr16:3,590,192-3,590,199 gives the same sequence; the position shown is the placement nearest the transcript's 3' end. VCF-style (leftmost placement, unchanged base first): chr16-3590191-ATCT-A. GRCh37 (hg19) VCF-style: chr16-3640192-ATCT-A.
Other names: short protein forms E1148del.
Identifiers: ClinVar variation 1978844 (VCV001978844.3), dbSNP rs1451063924, ClinGen allele CA620713999.
Genomic context (GRCh38, chr16:3,590,191, plus strand): 5'-CTTCATTTTGGTTTGTTCTAGCTCCAGCTCCTCATCCGAGTCCAGTAAGAGGATGACCTC[ATCT>A]TCTTCGTTCAGTTTGGATGAAGATTTCTGAGATCTGGAGCTCGAATGGTCAGGATTTGAC-3'

ClinVar aggregate classification (germline): Uncertain significance (1 of 4 stars; one submission).

Conditions:
Fanconi anemia (FA). Also called: Fanconi's anemia. Identifiers: Orphanet 84, MedGen C0015625, MeSH D005199, MONDO:0019391.

Submission:

Labcorp Genetics (formerly Invitae), Labcorp
Classification: Uncertain significance for Fanconi anemia. Last evaluated: 2022-03-12. Review status: criteria provided, single submitter. Criteria: Invitae Variant Classification Sherloc (09022015). Collection method: clinical testing. Allele origin: germline.
Comment: In summary, the available evidence is currently insufficient to determine the role of this variant in disease. Therefore, it has been classified as a Variant of Uncertain Significance. Experimental studies and prediction algorithms are not available or were not evaluated, and the functional significance of this variant is currently unknown. This variant has not been reported in the literature in individuals affected with SLX4-related conditions. This variant is present in population databases (no rsID available, gnomAD 0.01%). This variant, c.3444_3446del, results in the deletion of 1 amino acid(s) of the SLX4 protein (p.Glu1148del), but otherwise preserves the integrity of the reading frame.